The following is an entry in ClinVar:

ClinVar aggregate classification (germline): Uncertain significance (1 of 4 stars; one submission).

Submission:

Labcorp Genetics (formerly Invitae), Labcorp
Classification: Uncertain significance. Last evaluated: 2024-10-02. Review status: criteria provided, single submitter. Criteria: Invitae Variant Classification Sherloc (09022015). Collection method: clinical testing. Allele origin: germline.
Comment: This sequence change replaces glutamic acid, which is acidic and polar, with glutamine, which is neutral and polar, at codon 181 of the CACNA1F protein (p.Glu181Gln). This variant is not present in population databases (gnomAD no frequency). This variant has not been reported in the literature in individuals affected with CACNA1F-related conditions. An algorithm developed to predict the effect of missense changes on protein structure and function (PolyPhen-2) suggests that this variant is likely to be disruptive. In summary, the available evidence is currently insufficient to determine the role of this variant in disease. Therefore, it has been classified as a Variant of Uncertain Significance.

NM_001256789.3(CACNA1F):c.541G>C (p.Glu181Gln)

Gene: CACNA1F (calcium voltage-gated channel subunit alpha1 F; minus strand). Cytogenetic location: Xp11.23.
Variant type: single nucleotide variant.
Coding change: c.541G>C on transcript NM_001256789.3 (MANE Select); coding-DNA position 541, G replaced by C.
Protein change: p.Glu181Gln; replaces glutamic acid 181 with glutamine.
Molecular consequence: missense variant.
Genome position (GRCh38, 1-based): chrX:49,230,590, C>G on the plus strand (G>C on the coding strand, the complement: CACNA1F is on the minus strand). VCF-style: chrX-49230590-C-G. GRCh37 (hg19) VCF-style: chrX-49087052-C-G.
Other names: c.346G>C, p.Glu116Gln (NM_001256790.3); c.541G>C, p.Glu181Gln (NM_005183.4); short protein forms E116Q, E181Q.
Identifiers: ClinVar variation 3606929 (VCV003606929.2).